The following is an entry in ClinVar:

ClinVar aggregate classification (germline): Pathogenic. Review status: criteria provided, multiple submitters, no conflicts (2 of 4 stars). 11 submissions from 10 submitters: Pathogenic (8). 3 of the submissions do not count toward it. Last evaluated 2025-11-09.

Conditions:
Retinitis punctata albescens. Identifiers: Orphanet 52427, MedGen C1405854, MONDO:0018877.
Pigmentary retinal dystrophy. Also called: Fundus albipunctatus. Identifiers: Orphanet 227796, Orphanet 52427, MedGen C0311338, MONDO:0007639, OMIM 136880, HP:0030642.
Newfoundland cone-rod dystrophy. Identifiers: MedGen C1843815, MONDO:0011839, OMIM 607476.
Bothnia retinal dystrophy. Also called: VASTERBOTTEN DYSTROPHY. Identifiers: Orphanet 85128, MedGen C1843816, MONDO:0011838, OMIM 607475.
Retinitis pigmentosa (RP). Identifiers: Orphanet 791, MedGen C0035334, MeSH D012174, MONDO:0019200, OMIM 268000. Inheritance: Autosomal dominant, autosomal recessive and X linked inheritance.
Autosomal recessive retinitis pigmentosa. Identifiers: MedGen C0339526.
RLBP1-related disorder. Also called: RLBP1-related disorders; RLBP1-related condition. Identifiers: MedGen CN239413.

Allele frequency attached by ClinVar (database versions not stated): gnomAD 0.00001 and 0.00003; TOPMed 0.00001.
gnomAD v4.1: 29 of 1,614,088 alleles (0.0018%); highest among the groups gnomAD compares: South Asian, 0.0077%; no homozygotes.

Submissions (11):

Labcorp Genetics (formerly Invitae), Labcorp
Classification: Pathogenic. Last evaluated: 2025-11-09. Review status: criteria provided, single submitter. Criteria: Invitae Variant Classification Sherloc (09022015). Collection method: clinical testing. Allele origin: germline.
Comment: This sequence change replaces arginine, which is basic and polar, with glutamine, which is neutral and polar, at codon 151 of the RLBP1 protein (p.Arg151Gln). This variant is present in population databases (rs137853290, gnomAD 0.002%). This missense change has been observed in individuals with RLBP1-related conditions (PMID: 9326942, 11453974). It has also been observed to segregate with disease in related individuals. This variant is also known as R150Q. ClinVar contains an entry for this variant (Variation ID: 13097). Invitae Evidence Modeling of protein sequence and biophysical properties (such as structural, functional, and spatial information, amino acid conservation, physicochemical variation, residue mobility, and thermodynamic stability) indicates that this missense variant is expected to disrupt RLBP1 protein function with a positive predictive value of 95%. Experimental studies have shown that this missense change affects RLBP1 function (PMID: 9326942). For these reasons, this variant has been classified as Pathogenic.

Genomic Medicine Center of Excellence, King Faisal Specialist Hospital and Research Centre
Classification: Pathogenic for Bothnia retinal dystrophy. Last evaluated: 2025-09-10. Review status: criteria provided, single submitter. Criteria: ACMG Guidelines, 2015. Collection method: clinical testing. Allele origin: germline.

Dasa
Classification: Pathogenic. Last evaluated: 2025-06-09. Review status: criteria provided, single submitter. Criteria: DASA Assertion Criteria. Collection method: clinical testing. Allele origin: germline.
Comment: NM_000326.5(RLBP1):c.452G>A (p.Arg151Gln) is a missense variant that results in the substitution of arginine with glutamine. The affected residue or protein region has prior evidence supporting clinical relevance. This variant has been observed in affected individuals with related phenotype in a genotype context consistent with recessive disease (PMID: 9326942; PMID: 17065479; PMID: 19339744; PMID: 21151602). Functional evidence supports a deleterious effect on the gene or gene product (PMID: 9326942; PMID: 17065479; PMID: 19339744; PMID: 21151602). This variant has been recurrently observed in individuals with related phenotype (PMID: 9326942; PMID: 17065479; PMID: 19339744; PMID: 21151602). Multiple computational predictions support a deleterious effect on the gene or gene product. The variant is present at low frequency in population datasets. Based on the available data, this variant is classified as pathogenic.

3billion
Classification: Pathogenic for RLBP1-related disorder. Last evaluated: 2025-02-21. Review status: criteria provided, single submitter. Criteria: ACMG Guidelines, 2015. Collection method: clinical testing. Allele origin: germline. Affected: yes.
Comment: The variant is observed at an extremely low frequency in the gnomAD v4.1.0 dataset (total allele frequency: 0.002%). Predicted Consequence/Location: Missense variant In silico tool predictions suggest damaging effect of the variant on gene or gene product [REVEL: 0.76 (>=0.6, sensitivity 0.68 and specificity 0.92); 3Cnet: 0.98 (>=0.6, sensitivity 0.72 and precision 0.9)]. The same nucleotide change resulting in the same amino acid change has been previously reported as pathogenic/likely pathogenic with strong evidence (ClinVar ID: VCV000013097 /PMID: 9326942 /3billion dataset). A different missense change at the same codon (p.Arg151Trp) has been reported as pathogenic/likely pathogenic with strong evidence (ClinVar ID: VCV002501066 /PMID: 14718298). Therefore, this variant is classified as Pathogenic according to the recommendation of ACMG/AMP guideline.

Fulgent Genetics
Classification: Pathogenic for Pigmentary retinal dystrophy; Bothnia retinal dystrophy; Newfoundland cone-rod dystrophy. Last evaluated: 2024-05-30. Review status: criteria provided, single submitter. Criteria: ACMG Guidelines, 2015. Collection method: clinical testing. Allele origin: germline.

Blueprint Genetics
Classification: Pathogenic for RLBP1-related disorders. Last evaluated: 2023-06-12. Review status: criteria provided, single submitter. Criteria: ACMG Guidelines, 2015. Collection method: clinical testing. Allele origin: germline. Affected: yes. Observed: 1 variant allele.

Women's Health and Genetics/Laboratory Corporation of America, LabCorp
Classification: Pathogenic for Retinitis pigmentosa. Last evaluated: 2021-09-13. Review status: criteria provided, single submitter. Criteria: LabCorp Variant Classification Summary - May 2015. Collection method: clinical testing. Allele origin: germline.
Comment: Variant summary: RLBP1 c.452G>A (p.Arg151Gln) results in a conservative amino acid change located in the CRAL-TRIO lipid binding domain (IPR001251) of the encoded protein sequence. Four of five in-silico tools predict a damaging effect of the variant on protein function. The variant allele was found at a frequency of 8e-06 in 251492 control chromosomes. c.452G>A has been reported in the literature as a homozygous genotype in multiple individuals from consanguineous families affected with Retinitis Pigmentosa and Fundus albipunctatus (FA)/retinitis punctata albescens (RPA) (Maw_1997, Katsanis_2001, Abu-Safieh_2013, Zeitz_2015, Patel_2015). These data indicate that the variant is very likely to be associated with disease. At least one publication reports experimental evidence evaluating an impact on protein function. The most pronounced variant effect results in a loss of ability to bind 11-cis-retinaldehyde. No clinical diagnostic laboratories have submitted clinical-significance assessments for this variant to ClinVar after 2014. Based on the evidence outlined above, the variant was classified as pathogenic.

Genetics and Genomic Medicine Centre, NeuroGen Healthcare, NeuroGen Healthcare
Classification: Pathogenic for Bothnia retinal dystrophy. Last evaluated: 2020-09-30. Review status: criteria provided, single submitter. Criteria: Submitter's publication. Collection method: clinical testing. Allele origin: unknown. Affected: no.

Faculty of Health Sciences, Beirut Arab University
Classification: Pathogenic for Autosomal recessive Retinitis Pigmentosa. Last evaluated: 2001-12-20. Review status: no assertion criteria provided. Collection method: literature only. Allele origin: germline. Affected: yes. Observed: 9 variant alleles. Not counted in ClinVar's aggregate classification.

OMIM
Classification: Pathogenic for FUNDUS ALBIPUNCTATUS. Last evaluated: 2001-06-01. Review status: no assertion criteria provided. Collection method: literature only. Allele origin: germline. Not counted in ClinVar's aggregate classification.

OMIM
Classification: Pathogenic for RETINITIS PUNCTATA ALBESCENS. Last evaluated: 2001-06-01. Review status: no assertion criteria provided. Collection method: literature only. Allele origin: germline. Not counted in ClinVar's aggregate classification.

Literature cited by the submitters: PubMed 9326942 (cited by 5 submitters); PubMed 11453974 (cited by 4 submitters); PubMed 17065479 (cited by Dasa); PubMed 19339744 (cited by Dasa); PubMed 21151602 (cited by Dasa); PubMed 14718298 (cited by 3billion); PubMed 26355662 (cited by Women's Health and Genetics/Laboratory Corporation of America, LabCorp and Faculty of Health Sciences, Beirut Arab University); PubMed 23105016 (cited by Women's Health and Genetics/Laboratory Corporation of America, LabCorp and Faculty of Health Sciences, Beirut Arab University); PubMed 33188265 (cited by Women's Health and Genetics/Laboratory Corporation of America, LabCorp); PubMed 25307992 (cited by Women's Health and Genetics/Laboratory Corporation of America, LabCorp).

NM_000326.5(RLBP1):c.452G>A (p.Arg151Gln)

Gene: RLBP1 (retinaldehyde binding protein 1; minus strand). Cytogenetic location: 15q26.1.
Variant type: single nucleotide variant.
Coding change: c.452G>A on transcript NM_000326.5 (MANE Select); coding-DNA position 452, G replaced by A.
Protein change: p.Arg151Gln; replaces arginine 151 with glutamine.
Molecular consequence: missense variant.
Genome position (GRCh38, 1-based): chr15:89,215,133, C>T on the plus strand (G>A on the coding strand, the complement: RLBP1 is on the minus strand). VCF-style: chr15-89215133-C-T. GRCh37 (hg19) VCF-style: chr15-89758364-C-T.
Other names: R150Q; c.452G>A (NM_000326.4); short protein forms R151Q.
Identifiers: ClinVar variation 13097 (VCV000013097.16), dbSNP rs137853290, ClinGen allele CA122838.